The following is an entry in ClinVar:

ClinVar aggregate classification (germline): Likely benign. Review status: criteria provided, single submitter (1 of 4 stars). 2 submissions from 2 submitters: Likely benign (1). 1 of the submissions does not count toward it. Last evaluated 2025-08-04.

Conditions:
ATP2B4-related disorder. Also called: ATP2B4-related condition.

Allele frequency attached by ClinVar (database versions not stated): 1000 Genomes Project 30x 0.00016; 1000 Genomes Project 0.00020; TOPMed 0.00090; ESP Exome Variant Server 0.00092; gnomAD 0.00093 and 0.00094.
gnomAD v4.1: 1,404 of 1,614,184 alleles (0.087%); highest among the groups gnomAD compares: African/African-American, 0.14%; 1 homozygote.

Submissions (2):

Labcorp Genetics (formerly Invitae), Labcorp
Classification: Likely benign. Last evaluated: 2025-08-04. Review status: criteria provided, single submitter. Criteria: Invitae Variant Classification Sherloc (09022015). Collection method: clinical testing. Allele origin: germline.

PreventionGenetics, part of Exact Sciences
Classification: Likely benign for ATP2B4-related condition. Last evaluated: 2019-10-28. Review status: no assertion criteria provided. Collection method: clinical testing. Allele origin: germline. Not counted in ClinVar's aggregate classification.
Comment: This variant is classified as likely benign based on ACMG/AMP sequence variant interpretation guidelines (Richards et al. 2015 PMID: 25741868, with internal and published modifications).

NM_001684.5(ATP2B4):c.2973C>T (p.Ile991=)

Gene: ATP2B4 (ATPase plasma membrane Ca2+ transporting 4; plus strand). Cytogenetic location: 1q32.1.
Variant type: single nucleotide variant.
Coding change: c.2973C>T on transcript NM_001684.5 (MANE Select); coding-DNA position 2973, C replaced by T.
Protein change: p.Ile991=; no amino-acid change (isoleucine 991 retained).
Molecular consequence: synonymous variant.
Genome position (GRCh38, 1-based): chr1:203,722,638, C>T. VCF-style: chr1-203722638-C-T. GRCh37 (hg19) VCF-style: chr1-203691766-C-T.
Other names: c.2973C>T (NM_001001396.2); c.2973C>T, p.Ile991= (NM_001001396.3, NM_001365783.2, NM_001365784.2).
Identifiers: ClinVar variation 1631712 (VCV001631712.10), dbSNP rs139111192, ClinGen allele CA1342002.
Genomic context (GRCh38, chr1:203,722,638, plus strand): 5'-GCTCTTCAATGAAATCAACTCCCGAAAGATCCATGGAGAGAAGAACGTCTTTTCAGGCAT[C>T]TACCGCAACATTATCTTCTGCTCTGTAGTCTTGGGCACATTCATCTGCCAGGTGAGATTC-3'
Protein context (NP_001675.3, residues 981-1001): IHGEKNVFSG[Ile991=]YRNIIFCSVV